The following is an entry in ClinVar:

ClinVar aggregate classification (germline): Likely pathogenic. Review status: criteria provided, multiple submitters, no conflicts (2 of 4 stars). 2 submissions from 2 submitters: Likely pathogenic (2). Last evaluated 2026-09-08.

Conditions:
Fabry disease. Also called: Angiokeratoma corporis diffusum; Fabry's disease; ALPHA-GALACTOSIDASE A DEFICIENCY; ANDERSON-FABRY DISEASE; CERAMIDE TRIHEXOSIDASE DEFICIENCY; Ceramide trihexosidosis. Identifiers: Orphanet 324, MedGen C0002986, MONDO:0010526, OMIM 301500, HP:0001071. Disease mechanism: Fabry disease is due to inactivating mutations in the X-linked GLA gene resulting in deficiency of the enzyme Alpha Galactosidase-A., loss of function.

Submissions (2):

Genomenon, Inc
Classification: Likely pathogenic for Fabry disease. Last evaluated: 2026-09-08. Review status: criteria provided, single submitter. Criteria: Genomenon Sequence Variant Interpretation Standards - Updated. Collection method: curation. Allele origin: germline. Affected: yes.
Comment: GLA p.Ile303Asn (c.908T>A) is a missense variant that changes the amino acid at codon 303 from Isoleucine to Asparagine. This variant has been observed in at least one proband with clinical features consistent with Fabry disease (PMID:29853467;12175777). At least one functional study has demonstrated a substantial alteration in protein function relative to the wild-type (PMID:27657681). It is absent or not present at a significant frequency in gnomAD. In silico models predict that this variant is possibly or probably damaging. In conclusion, we classify GLA p.Ile303Asn (c.908T>A) as a likely pathogenic variant.

Labcorp Genetics (formerly Invitae), Labcorp
Classification: Likely pathogenic for Fabry disease. Last evaluated: 2023-02-02. Review status: criteria provided, single submitter. Criteria: Invitae Variant Classification Sherloc (09022015). Collection method: clinical testing. Allele origin: germline.
Comment: This sequence change replaces isoleucine, which is neutral and non-polar, with asparagine, which is neutral and polar, at codon 303 of the GLA protein (p.Ile303Asn). This variant is not present in population databases (gnomAD no frequency). This missense change has been observed in individuals with Fabry disease (PMID: 12175777, 29476735). Advanced modeling of protein sequence and biophysical properties (such as structural, functional, and spatial information, amino acid conservation, physicochemical variation, residue mobility, and thermodynamic stability) performed at Invitae indicates that this missense variant is expected to disrupt GLA protein function. This variant disrupts the p.Ile303 amino acid residue in GLA. Other variant(s) that disrupt this residue have been observed in individuals with GLA-related conditions (PMID: 12175777, 29476735, 33016649), which suggests that this may be a clinically significant amino acid residue. In summary, the currently available evidence indicates that the variant is pathogenic, but additional data are needed to prove that conclusively. Therefore, this variant has been classified as Likely Pathogenic.

Literature cited by the submitters: PubMed 29853467 (cited by Genomenon, Inc); PubMed 12175777 (cited by Genomenon, Inc and Labcorp Genetics (formerly Invitae), Labcorp); PubMed 27657681 (cited by Genomenon, Inc); PubMed 29476735 (cited by Labcorp Genetics (formerly Invitae), Labcorp); PubMed 33016649 (cited by Labcorp Genetics (formerly Invitae), Labcorp).

NM_000169.3(GLA):c.908T>A (p.Ile303Asn)

Genes: GLA (galactosidase alpha; minus strand), RPL36A-HNRNPH2 (RPL36A-HNRNPH2 readthrough; plus strand). Cytogenetic location: Xq22.1.
Variant type: single nucleotide variant.
Coding change: c.908T>A on transcript NM_000169.3 (MANE Select); coding-DNA position 908, T replaced by A.
Protein change: p.Ile303Asn; replaces isoleucine 303 with asparagine.
Molecular consequence: missense variant. On other transcripts: non-coding transcript variant (3), intron variant (2).
Genome position (GRCh38, 1-based): chrX:101,398,461, A>T on the plus strand (T>A on the coding strand, the complement: GLA is on the minus strand). VCF-style: chrX-101398461-A-T. GRCh37 (hg19) VCF-style: chrX-100653449-A-T.
Other names: c.1031T>A, p.Ile344Asn (NM_001406747.1); c.908T>A, p.Ile303Asn (NM_001406748.1); c.300+3004A>T (NM_001199973.2); c.177+6639A>T (NM_001199974.2); short protein forms I344N, I303N.
Identifiers: ClinVar variation 2737312 (VCV002737312.5), dbSNP rs2520861972, ClinGen allele CA413922201.